The following is an entry in ClinVar:

NM_000038.6(APC):c.*634C>A

Gene: APC (APC regulator of WNT signaling pathway; plus strand). Cytogenetic location: 5q22.2.
Variant type: single nucleotide variant.
Coding change: c.*634C>A on transcript NM_000038.6 (MANE Select); 634 bases downstream of the stop codon, C replaced by A.
Molecular consequence: 3 prime UTR variant.
Genome position (GRCh38, 1-based): chr5:112,844,760, C>A. VCF-style: chr5-112844760-C-A. GRCh37 (hg19) VCF-style: chr5-112180457-C-A.
Other names: c.*634C>A (NM_001127510.3, NM_001127511.3, NM_001354895.2 and 11 more transcripts).
Identifiers: ClinVar variation 82638 (VCV000082638.2), dbSNP rs75495374, ClinGen allele CA011084.

ClinVar aggregate classification (germline): other (0 of 4 stars; one submission).

Conditions:
Familial colorectal cancer. Identifiers: MedGen CN280943, MONDO:0023113. Disease mechanism: loss of function.

Submission:

Systems Biology Platform Zhejiang California International NanoSystems Institute
Classification: other for Familial colorectal cancer. Review status: no assertion criteria provided. Collection method: not provided. Allele origin: unknown.
ClinVar note: Converted during submission from cancer to other.